The following is an entry in ClinVar:

NM_005629.4(SLC6A8):c.30C>T (p.Ile10=)

Gene: SLC6A8 (solute carrier family 6 member 8; plus strand). Cytogenetic location: Xq28.
Variant type: single nucleotide variant.
Coding change: c.30C>T on transcript NM_005629.4 (MANE Select); coding-DNA position 30, C replaced by T.
Protein change: p.Ile10=; no amino-acid change (isoleucine 10 retained).
Molecular consequence: synonymous variant.
Genome position (GRCh38, 1-based): chrX:153,688,604, C>T. VCF-style: chrX-153688604-C-T. GRCh37 (hg19) VCF-style: chrX-152954059-C-T.
Other names: c.30C>T, p.Ile10= (NM_001142805.2).
Identifiers: ClinVar variation 386861 (VCV000386861.10), dbSNP rs1057522627, ClinGen allele CA16609137.

ClinVar aggregate classification (germline): Likely benign. Review status: criteria provided, multiple submitters, no conflicts (2 of 4 stars). 2 submissions from 2 submitters: Likely benign (2). Last evaluated 2023-05-17.

Conditions:
Creatine transporter deficiency (CCDS1). Also called: SLC6A8-Related Creatine Transporter Deficiency; CREATINE TRANSPORTER DEFECT; CEREBRAL CREATINE DEFICIENCY SYNDROME 1; Mental retardation , X-linked with seizures, short stature and midface hypoplasia; Mental retardation , X-linked, with creatine transport deficiency; X-linked creatine transporter deficiency. Identifiers: Orphanet 52503, MedGen C1845862, MONDO:0010305, OMIM 300352.

Allele frequency attached by ClinVar (database versions not stated): gnomAD exomes below 0.00001; TOPMed 0.00001.
gnomAD v4.1: 4 of 1,073,144 alleles (0.00037%); highest among the groups gnomAD compares: Non-Finnish European, 0.00036%; no homozygotes.

Submissions (2):

Labcorp Genetics (formerly Invitae), Labcorp
Classification: Likely benign for Creatine transporter deficiency. Last evaluated: 2023-05-17. Review status: criteria provided, single submitter. Criteria: Invitae Variant Classification Sherloc (09022015). Collection method: clinical testing. Allele origin: germline.

GeneDx
Classification: Likely benign. Last evaluated: 2016-06-07. Review status: criteria provided, single submitter. Criteria: GeneDx Variant Classification (06012015). Collection method: clinical testing. Allele origin: germline. Affected: yes.
Comment: This variant is considered likely benign or benign based on one or more of the following criteria: it is a conservative change, it occurs at a poorly conserved position in the protein, it is predicted to be benign by multiple in silico algorithms, and/or has population frequency not consistent with disease.